The following is an entry in ClinVar:

ClinVar aggregate classification (germline): Conflicting classifications of pathogenicity. Review status: criteria provided, conflicting classifications (1 of 4 stars). 7 submissions from 7 submitters: Likely pathogenic (3); Uncertain significance (3). 1 of the submissions does not count toward it. Last evaluated 2026-08-06.

Conditions:
NAD(P)HX dehydratase deficiency. Also called: Encephalopathy, progressive, early-onset, with brain edema and/or leukoencephalopathy, 2. Identifiers: Orphanet 555402, MedGen C5193026, MONDO:0034121, OMIM 618321.

Allele frequency attached by ClinVar (database versions not stated): gnomAD 0.00005; ExAC 0.00007; gnomAD exomes 0.00008; TOPMed 0.00003.
gnomAD v4.1: 55 of 1,613,246 alleles (0.0034%); highest among the groups gnomAD compares: Admixed American, 0.027%; no homozygotes.

Submissions (7):

OLLIN Analises Genomicas, OLLIN
Classification: Uncertain significance for NAD(P)HX dehydratase deficiency. Last evaluated: 2026-08-06. Review status: criteria provided, single submitter. Criteria: ACMG Guidelines 2015 PMID 25741868. Collection method: clinical testing. Allele origin: germline.
Comment: This missense variant, located in exon 10 (of 10), has been reported in ClinVar (accession VCV000617755.10), in gnomAD with an allele frequency of 0.0034%, and in the scientific literature, in compound heterozygosity, in individuals with NAXD related disorders (PMID: 30576410). In silico analysis is inconclusive regarding the impact of this variant; however, functional studies suggest that it may affect protein function (PMID: 30576410). According to the currently available evidence, this variant has been classified as uncertain significance (PS3_P, PM3, PM2_P).

3billion
Classification: Likely pathogenic for NAD(P)HX dehydratase deficiency. Last evaluated: 2023-02-23. Review status: criteria provided, single submitter. Criteria: ACMG Guidelines, 2015. Collection method: clinical testing. Allele origin: unknown. Affected: yes.
Comment: The variant is observed at an extremely low frequency in the gnomAD v2.1.1 dataset (total allele frequency: 0.008%). In silico tool predictions suggest damaging effect of the variant on gene or gene product (REVEL: 0.52; 3Cnet: 0.98). Same nucleotide change resulting in same amino acid change has been previously reported as pathogenic/likely pathogenic with strong evidence (ClinVar ID: VCV000617755). Therefore, this variant is classified as Likely pathogenic according to the recommendation of ACMG/AMP guideline.

Department of Pathology and Laboratory Medicine, Sinai Health System
Classification: Likely pathogenic for NAD(P)HX dehydratase deficiency. Last evaluated: 2023-01-26. Review status: criteria provided, single submitter. Criteria: ACMG Guidelines, 2015. Collection method: research. Allele origin: germline.

Labcorp Genetics (formerly Invitae), Labcorp
Classification: Uncertain significance. Last evaluated: 2022-03-29. Review status: criteria provided, single submitter. Criteria: Invitae Variant Classification Sherloc (09022015). Collection method: clinical testing. Allele origin: germline.
Comment: This missense change has been observed in individual(s) with NAD(P)HX dehydratase deficiency (PMID: 30576410). This variant is present in population databases (rs767778853, gnomAD 0.03%). This sequence change replaces serine, which is neutral and polar, with leucine, which is neutral and non-polar, at codon 371 of the NAXD protein (p.Ser371Leu). ClinVar contains an entry for this variant (Variation ID: 617755). In summary, the available evidence is currently insufficient to determine the role of this variant in disease. Therefore, it has been classified as a Variant of Uncertain Significance. Algorithms developed to predict the effect of missense changes on protein structure and function (SIFT, PolyPhen-2, Align-GVGD) all suggest that this variant is likely to be tolerated.

Laboratorio de Genetica e Diagnostico Molecular, Hospital Israelita Albert Einstein
Classification: Uncertain significance. Last evaluated: 2020-02-06. Review status: criteria provided, single submitter. Criteria: ACMG Guidelines, 2015. Collection method: clinical testing. Allele origin: germline. Affected: yes.
Comment: ACMG classification criteria: PS3, PS4, PM2, PM3

Rady Children's Institute for Genomic Medicine, Rady Children's Hospital San Diego
Classification: Likely pathogenic for Encephalopathy, progressive, early-onset, with brain edema and/or leukoencephalopathy, 2. Last evaluated: 2019-09-15. Review status: criteria provided, single submitter. Criteria: ACMG Guidelines, 2015. Collection method: clinical testing. Allele origin: germline. Affected: yes.
Comment: This variant has been previously reported as compound heterozygous change in a patient with neurodegeneration, progressive gait and behavior abnormalities, loss of speech, pancytopenia, abnormal bone marrow biopsy, skin lesions, gliosis, seizures, choreiform movements, dystonia, spastic quadriplegia, bilateral sensorineural hearing loss, and episodes of illness/fever prior to regression (PMID: 30576410). In vitro studies performed in the fibroblasts of the previously reported compound heterozygous individual suggest mitochondrial function impairment and accumulation of NADHX (PMID: 30576410). It is present in the heterozygous state in the gnomAD population database at a frequency of 0.007% (17/245714), is absent in the homozygous state, and thus is presumed to be rare. The c.1112C>T (p.Ser371Leu) variant is predicted by multiple in silico tools to have a deleterious effect on protein function. Based on the available evidence, the c.1112C>T (p.Ser371Leu), variant is classified as Likely Pathogenic.

OMIM
Classification: Pathogenic for ENCEPHALOPATHY, PROGRESSIVE, EARLY-ONSET, WITH BRAIN EDEMA AND/OR LEUKOENCEPHALOPATHY, 2. Last evaluated: 2020-09-16. Review status: no assertion criteria provided. Collection method: literature only. Allele origin: germline. Not counted in ClinVar's aggregate classification.

Literature cited by the submitters: PubMed 30576410 (cited by 3 submitters).

NM_001242882.2(NAXD):c.922C>T (p.Arg308Cys)

Gene: NAXD (NAD(P)HX dehydratase; plus strand). Cytogenetic location: 13q34.
Variant type: single nucleotide variant.
Coding change: c.922C>T on transcript NM_001242882.2 (MANE Select); coding-DNA position 922, C replaced by T.
Protein change: p.Arg308Cys; replaces arginine 308 with cysteine.
Molecular consequence: missense variant. On other transcripts: non-coding transcript variant (2).
Genome position (GRCh38, 1-based): chr13:110,638,460, C>T. VCF-style: chr13-110638460-C-T. GRCh37 (hg19) VCF-style: chr13-111290807-C-T.
Other names: c.976C>T, p.Arg326Cys (NM_001242881.2); c.646C>T, p.Arg216Cys (NM_001242883.2); c.1112C>T, p.Ser371Leu (NM_018210.4); short protein forms R308C, R326C, R216C, S371L.
Identifiers: ClinVar variation 617755 (VCV000617755.11), dbSNP rs767778853, ClinGen allele CA7051457.